The following is an entry in ClinVar:

NM_001035.3(RYR2):c.3298C>T (p.Arg1100Trp)

Gene: RYR2 (ryanodine receptor 2; plus strand). Cytogenetic location: 1q43.
Variant type: single nucleotide variant.
Coding change: c.3298C>T on transcript NM_001035.3 (MANE Select); coding-DNA position 3298, C replaced by T.
Protein change: p.Arg1100Trp; replaces arginine 1100 with tryptophan.
Molecular consequence: missense variant.
Genome position (GRCh38, 1-based): chr1:237,566,650, C>T. VCF-style: chr1-237566650-C-T. GRCh37 (hg19) VCF-style: chr1-237729950-C-T.
Other names: short protein forms R1100W.
Identifiers: ClinVar variation 2152862 (VCV002152862.4), dbSNP rs1411654663, ClinGen allele CA071397.

ClinVar aggregate classification (germline): Uncertain significance (1 of 4 stars; one submission).

Conditions:
Catecholaminergic polymorphic ventricular tachycardia 1. Also called: VENTRICULAR TACHYCARDIA, CATECHOLAMINERGIC POLYMORPHIC, 1, WITH OR WITHOUT ATRIAL DYSFUNCTION AND/OR DILATED CARDIOMYOPATHY; RYR2-Related Catecholaminergic Polymorphic Ventricular Tachycardia; VENTRICULAR TACHYCARDIA, STRESS-INDUCED POLYMORPHIC 1. Identifiers: Orphanet 3286, MedGen C1631597, MONDO:0011484, OMIM 604772.

Allele frequency attached by ClinVar (database versions not stated): gnomAD exomes below 0.00001; gnomAD 0.00001.
gnomAD v4.1: 7 of 1,613,798 alleles (0.00043%); highest among the groups gnomAD compares: Non-Finnish European, 0.00042%; no homozygotes.

Submission:

Labcorp Genetics (formerly Invitae), Labcorp
Classification: Uncertain significance for Catecholaminergic polymorphic ventricular tachycardia 1. Last evaluated: 2024-07-23. Review status: criteria provided, single submitter. Criteria: Invitae Variant Classification Sherloc (09022015). Collection method: clinical testing. Allele origin: germline.
Comment: This sequence change replaces arginine, which is basic and polar, with tryptophan, which is neutral and slightly polar, at codon 1100 of the RYR2 protein (p.Arg1100Trp). This variant is not present in population databases (gnomAD no frequency). This variant has not been reported in the literature in individuals affected with RYR2-related conditions. ClinVar contains an entry for this variant (Variation ID: 2152862). Advanced modeling of protein sequence and biophysical properties (such as structural, functional, and spatial information, amino acid conservation, physicochemical variation, residue mobility, and thermodynamic stability) performed at Invitae indicates that this missense variant is not expected to disrupt RYR2 protein function with a negative predictive value of 95%. In summary, the available evidence is currently insufficient to determine the role of this variant in disease. Therefore, it has been classified as a Variant of Uncertain Significance.